The following is an entry in ClinVar:

NM_000157.4(GBA1):c.1238A>C (p.His413Pro)

Genes: GBA1 (glucosylceramidase beta 1; minus strand), LOC106627981 (GBA recombination region; plus strand). Cytogenetic location: 1q22.
Variant type: single nucleotide variant.
Coding change: c.1238A>C on transcript NM_000157.4 (MANE Select); coding-DNA position 1238, A replaced by C.
Protein change: p.His413Pro; replaces histidine 413 with proline.
Molecular consequence: missense variant.
Genome position (GRCh38, 1-based): chr1:155,235,831, T>G on the plus strand (A>C on the coding strand, the complement: GBA1 is on the minus strand). VCF-style: chr1-155235831-T-G. GRCh37 (hg19) VCF-style: chr1-155205622-T-G.
Other names: c.1238A>C, p.His413Pro (NM_001005741.3, NM_001005742.3); c.977A>C, p.His326Pro (NM_001171811.2); c.1091A>C, p.His364Pro (NM_001171812.2); short protein forms H326P, H364P, H413P.
Identifiers: ClinVar variation 932296 (VCV000932296.3), dbSNP rs911331923, ClinGen allele CA342714144.

ClinVar aggregate classification (germline): Likely pathogenic (0 of 4 stars; one submission).

Conditions:
Gaucher disease type I (GD1). Also called: GAUCHER DISEASE, NONCEREBRAL JUVENILE; GBA DEFICIENCY; GD I; GLUCOCEREBROSIDASE DEFICIENCY; Type 1 Gaucher Disease; ACID BETA-GLUCOSIDASE DEFICIENCY. Identifiers: Orphanet 355, Orphanet 77259, MedGen C1961835, MONDO:0009265, OMIM 230800.

Submission:

Department of Medical Biology, Faculty of Medicine, Hacettepe University
Classification: Likely pathogenic for Gaucher disease type I. Review status: no assertion criteria provided. Collection method: research. Allele origin: inherited. Inheritance: Autosomal recessive inheritance. Affected: yes. Observed: 3 variant alleles, 3 compound heterozygotes. Clinical features observed: Anemia (HP:0001903), Thrombocytopenia (HP:0001873), Osteopenia (HP:0000938).
Comment: c.1238A>C (p.His413Pro) identified as a compound heterozygous mutation with p.N409S allele in 4 siblings with Type I GD phenotype in a family. 3 of the siblings were diagnosed with organomegaly at a mean age of 11. Blood glucocerebrosidase activity levels of these patients were 1.68, 2.06, and 1.7 nmol/h/mg protein, respectively. These patients presented similar GD related symptoms including anemia, thrombocytopenia, and osteopenia.